The following is an entry in ClinVar:

ClinVar aggregate classification (germline): Benign (1 of 4 stars; one submission).

Conditions:
Leigh syndrome (NULS). Also called: Leigh's necrotizing encephalopathy; Leigh's disease; Leigh Syndrome (mtDNA deletion); Leigh Disease; Subacute necrotizing encephalopathy; Necrotizing encephalopathy infantile subacute of Leigh. Identifiers: Orphanet 506, MedGen C2931891, MONDO:0009723, OMIM 256000.

Submission:

Wong Mito Lab, Molecular and Human Genetics, Baylor College of Medicine
Classification: Benign for Leigh syndrome. Last evaluated: 2019-10-17. Review status: criteria provided, single submitter. Criteria: Modified ACMG Guidelines (Unpublished). Collection method: clinical testing. Allele origin: germline.
Comment: The NC_012920.1:m.10203G>A (YP_003024033.1:p.Val49Ile) variant in MTND3 gene is interpretated to be a Benign variant based on the modified ACMG guidelines (unpublished). This variant meets the following evidence codes: BS1, BS2, BP4

NC_012920.1(MT-ND3):m.10203G>A

Gene: MT-ND3 (mitochondrially encoded NADH dehydrogenase 3; plus strand).
Variant type: single nucleotide variant.
Genome position: chrM-10203-G-A.
Identifiers: ClinVar variation 693272 (VCV000693272.1), dbSNP rs1556423781, ClinGen allele CA414804497.